The following is an entry in ClinVar:

ClinVar aggregate classification (germline): Uncertain significance (1 of 4 stars; one submission).

Allele frequency attached by ClinVar (database versions not stated): ExAC 0.00001; gnomAD exomes 0.00001; TOPMed 0.00001.
gnomAD v4.1: 6 of 1,202,197 alleles (0.0005%); highest among the groups gnomAD compares: Admixed American, 0.013%; no homozygotes.

Submission:

Labcorp Genetics (formerly Invitae), Labcorp
Classification: Uncertain significance. Last evaluated: 2025-11-24. Review status: criteria provided, single submitter. Criteria: Invitae Variant Classification Sherloc (09022015). Collection method: clinical testing. Allele origin: germline.
Comment: This sequence change replaces lysine, which is basic and polar, with arginine, which is basic and polar, at codon 714 of the STAG2 protein (p.Lys714Arg). This variant is present in population databases (rs781585183, gnomAD 0.02%). This variant has not been reported in the literature in individuals affected with STAG2-related conditions. ClinVar contains an entry for this variant (Variation ID: 2064296). Invitae Evidence Modeling of protein sequence and biophysical properties (such as structural, functional, and spatial information, amino acid conservation, physicochemical variation, residue mobility, and thermodynamic stability) indicates that this missense variant is not expected to disrupt STAG2 protein function with a negative predictive value of 80%. In summary, the available evidence is currently insufficient to determine the role of this variant in disease. Therefore, it has been classified as a Variant of Uncertain Significance.

NM_001042750.2(STAG2):c.2141A>G (p.Lys714Arg)

Gene: STAG2 (STAG2 cohesin complex component; plus strand). Cytogenetic location: Xq25.
Variant type: single nucleotide variant.
Coding change: c.2141A>G on transcript NM_001042750.2 (MANE Select); coding-DNA position 2141, A replaced by G.
Protein change: p.Lys714Arg; replaces lysine 714 with arginine.
Molecular consequence: missense variant.
Genome position (GRCh38, 1-based): chrX:124,066,219, A>G. VCF-style: chrX-124066219-A-G. GRCh37 (hg19) VCF-style: chrX-123200069-A-G.
Other names: c.2141A>G, p.Lys714Arg (NM_001042749.2, NM_001042751.2, NM_001282418.2 and 13 more transcripts); short protein forms K714R.
Identifiers: ClinVar variation 2064296 (VCV002064296.4), dbSNP rs781585183, ClinGen allele CA10508954.